The following is an entry in ClinVar:

NM_001903.5(CTNNA1):c.727_735del (p.Leu243_Tyr245del)

Gene: CTNNA1 (catenin alpha 1; plus strand). Cytogenetic location: 5q31.2.
Variant type: Deletion.
Coding change: c.727_735del on transcript NM_001903.5 (MANE Select); coding-DNA positions 727 to 735, 9 bases deleted (CTGATATAC; older notation c.727_735delCTGATATAC).
Protein change: p.Leu243_Tyr245del.
Genome position (GRCh38, 1-based): chr5:138,824,668-138,824,676, CTGATATAC deleted; deleting any 9 consecutive bases within chr5:138,824,666-138,824,676 gives the same sequence; the c. name uses the placement nearest the transcript's 3' end. VCF-style (leftmost placement, unchanged base first): chr5-138824665-GACCTGATAT-G. GRCh37 (hg19) VCF-style: chr5-138160354-GACCTGATAT-G.
Other names: c.727_735del, p.Leu243_Tyr245del (NM_001290307.3, NM_001323982.2, NM_001323983.1 and 3 more transcripts); c.418_426del, p.Leu140_Tyr142del (NM_001290309.3); c.358_366del, p.Leu120_Tyr122del (NM_001290310.3).
Identifiers: ClinVar variation 5034993 (VCV005034993.1).

ClinVar aggregate classification (germline): Uncertain significance (1 of 4 stars; one submission).

Conditions:
Hereditary cancer-predisposing syndrome. Also called: Hereditary Cancer Syndrome; Neoplastic Syndromes, Hereditary; Tumor predisposition; Hereditary neoplastic syndrome. Identifiers: Orphanet 140162, MedGen C0027672, MeSH D009386, MONDO:0015356.

Submission:

Ambry Genetics
Classification: Uncertain significance for Hereditary cancer-predisposing syndrome. Last evaluated: 2026-06-26. Review status: criteria provided, single submitter. Criteria: Ambry Variant Classification Scheme 2023. Collection method: clinical testing. Allele origin: germline.
Comment: The c.727_735delCTGATATAC variant (also known as p.L243_Y245del) is located in coding exon 5 of the CTNNA1 gene. This variant results from an in-frame CTGATATAC deletion at nucleotide positions 727 to 735. This results in the in-frame deletion of LIY residues at codons 243 to 245. This amino acid region is well conserved in available vertebrate species. In addition, this variant is predicted to be deleterious by in silico analysis (Choi Y et al. PLoS ONE. 2012; 7(10):e46688). Based on the available evidence, the clinical significance of this variant remains unclear.